The following is an entry in ClinVar:

ClinVar aggregate classification (germline): Uncertain significance. Review status: criteria provided, multiple submitters, no conflicts (2 of 4 stars). 3 submissions from 3 submitters: Uncertain significance (3). Last evaluated 2024-05-30.

Conditions:
Inborn genetic diseases. Identifiers: MedGen C0950123, MeSH D030342.

Allele frequency attached by ClinVar (database versions not stated): ExAC 0.00001; gnomAD exomes 0.00001; gnomAD 0.00005 and 0.00006; TOPMed 0.00006; 1000 Genomes Project 0.00020; 1000 Genomes Project 30x 0.00031.
gnomAD v4.1: 18 of 1,606,366 alleles (0.0011%); highest among the groups gnomAD compares: African/African-American, 0.021%; no homozygotes.

Submissions (3):

Ambry Genetics
Classification: Uncertain significance for Inborn genetic diseases. Last evaluated: 2024-05-30. Review status: criteria provided, single submitter. Criteria: Ambry Variant Classification Scheme 2023. Collection method: clinical testing. Allele origin: germline.

Labcorp Genetics (formerly Invitae), Labcorp
Classification: Uncertain significance. Last evaluated: 2023-12-06. Review status: criteria provided, single submitter. Criteria: Invitae Variant Classification Sherloc (09022015). Collection method: clinical testing. Allele origin: germline.
Comment: This sequence change replaces glycine, which is neutral and non-polar, with cysteine, which is neutral and slightly polar, at codon 81 of the FLAD1 protein (p.Gly81Cys). This variant is present in population databases (rs540907370, gnomAD 0.02%). This variant has not been reported in the literature in individuals affected with FLAD1-related conditions. ClinVar contains an entry for this variant (Variation ID: 1416010). An algorithm developed to predict the effect of missense changes on protein structure and function (PolyPhen-2) suggests that this variant is likely to be disruptive. In summary, the available evidence is currently insufficient to determine the role of this variant in disease. Therefore, it has been classified as a Variant of Uncertain Significance.

Blueprint Genetics
Classification: Uncertain significance. Last evaluated: 2022-11-02. Review status: criteria provided, single submitter. Criteria: ACMG Guidelines, 2015. Collection method: clinical testing. Allele origin: germline.

NM_025207.5(FLAD1):c.241G>T (p.Gly81Cys)

Gene: FLAD1 (flavin adenine dinucleotide synthetase 1; plus strand). Cytogenetic location: 1q21.3.
Variant type: single nucleotide variant.
Coding change: c.241G>T on transcript NM_025207.5 (MANE Select); coding-DNA position 241, G replaced by T.
Protein change: p.Gly81Cys; replaces glycine 81 with cysteine.
Molecular consequence: missense variant. On other transcripts: 5 prime UTR variant (3).
Genome position (GRCh38, 1-based): chr1:154,983,935, G>T. VCF-style: chr1-154983935-G-T. GRCh37 (hg19) VCF-style: chr1-154956411-G-T.
Other names: c.-51G>T (NM_001184891.2, NM_201398.3); c.-696G>T (NM_001184892.2); c.241G>T (NM_025207.4); short protein forms G81C.
Identifiers: ClinVar variation 1416010 (VCV001416010.9), dbSNP rs540907370, ClinGen allele CA1134261.